The following is an entry in ClinVar:

NM_001164508.2(NEB):c.2128G>A (p.Glu710Lys)

Gene: NEB (nebulin; minus strand). Cytogenetic location: 2q23.3.
Variant type: single nucleotide variant.
Coding change: c.2128G>A on transcript NM_001164508.2 (MANE Select); coding-DNA position 2128, G replaced by A.
Protein change: p.Glu710Lys; replaces glutamic acid 710 with lysine.
Molecular consequence: missense variant.
Genome position (GRCh38, 1-based): chr2:151,691,947, C>T on the plus strand (G>A on the coding strand, the complement: NEB is on the minus strand). VCF-style: chr2-151691947-C-T. GRCh37 (hg19) VCF-style: chr2-152548461-C-T.
Other names: c.2128G>A, p.Glu710Lys (NM_001164507.2, NM_001271208.2, NM_004543.5); short protein forms E710K.
Identifiers: ClinVar variation 2120040 (VCV002120040.1), dbSNP rs1286717250, ClinGen allele CA348823715.

ClinVar aggregate classification (germline): Uncertain significance (1 of 4 stars; one submission).

Conditions:
Nemaline myopathy 2 (NEM2). Also called: Nemaline myopathy 2, autosomal recessive. Identifiers: MedGen C1850569, MONDO:0009725, OMIM 256030.

Allele frequency attached by ClinVar (database versions not stated): TOPMed below 0.00001.

Submission:

Labcorp Genetics (formerly Invitae), Labcorp
Classification: Uncertain significance for Nemaline myopathy 2. Last evaluated: 2022-03-31. Review status: criteria provided, single submitter. Criteria: Invitae Variant Classification Sherloc (09022015). Collection method: clinical testing. Allele origin: germline.
Comment: This sequence change replaces glutamic acid, which is acidic and polar, with lysine, which is basic and polar, at codon 710 of the NEB protein (p.Glu710Lys). This variant is not present in population databases (gnomAD no frequency). This variant has not been reported in the literature in individuals affected with NEB-related conditions. Algorithms developed to predict the effect of missense changes on protein structure and function are either unavailable or do not agree on the potential impact of this missense change (SIFT: "Deleterious"; PolyPhen-2: "Not Available"; Align-GVGD: "Class C0"). In summary, the available evidence is currently insufficient to determine the role of this variant in disease. Therefore, it has been classified as a Variant of Uncertain Significance.